The following is an entry in ClinVar:

NM_020778.5(ALPK3):c.948G>A (p.Lys316=)

Gene: ALPK3 (alpha kinase 3; plus strand). Cytogenetic location: 15q25.3.
Variant type: single nucleotide variant.
Coding change: c.948G>A on transcript NM_020778.5 (MANE Select); coding-DNA position 948, G replaced by A.
Protein change: p.Lys316=; no amino-acid change (lysine 316 retained).
Molecular consequence: synonymous variant.
Genome position (GRCh38, 1-based): chr15:84,840,227, G>A. VCF-style: chr15-84840227-G-A. GRCh37 (hg19) VCF-style: chr15-85383458-G-A.
Identifiers: ClinVar variation 681475 (VCV000681475.40), dbSNP rs151107093, ClinGen allele CA7709098.

ClinVar aggregate classification (germline): Likely benign. Review status: criteria provided, multiple submitters, no conflicts (2 of 4 stars). 8 submissions from 8 submitters: Likely benign (5). 3 of the submissions do not count toward it. Last evaluated 2026-07-01.

Conditions:
Cardiovascular phenotype. Identifiers: MedGen CN230736.
ALPK3-related disorder. Also called: ALPK3-related condition.

Allele frequency attached by ClinVar (database versions not stated): gnomAD 0.00023 and 0.00043; ExAC 0.00026; gnomAD exomes 0.00029 and 0.00037; TOPMed 0.00045; ESP Exome Variant Server 0.00046.

Submissions (8):

CeGaT Center for Human Genetics Tuebingen
Classification: Likely benign. Last evaluated: 2026-07-01. Review status: criteria provided, single submitter. Criteria: CeGaT Center For Human Genetics Tuebingen Variant Classification Criteria Version 2. Collection method: clinical testing. Allele origin: germline. Affected: yes. Observed: 2 variant alleles.
Comment: ALPK3: BP4, BP7

Labcorp Genetics (formerly Invitae), Labcorp
Classification: Likely benign. Last evaluated: 2026-01-26. Review status: criteria provided, single submitter. Criteria: Invitae Variant Classification Sherloc (09022015). Collection method: clinical testing. Allele origin: germline.

Blueprint Genetics
Classification: Likely benign. Last evaluated: 2024-11-22. Review status: criteria provided, single submitter. Criteria: ACMG Guidelines, 2015. Collection method: clinical testing. Allele origin: germline.

GeneDx
Classification: Likely benign. Last evaluated: 2021-05-26. Review status: criteria provided, single submitter. Criteria: GeneDx Variant Classification Process June 2021. Collection method: clinical testing. Allele origin: germline. Affected: yes.

Ambry Genetics
Classification: Likely benign for Cardiovascular phenotype. Last evaluated: 2019-02-08. Review status: criteria provided, single submitter. Criteria: Ambry Variant Classification Scheme 2023. Collection method: clinical testing. Allele origin: germline.

PreventionGenetics, part of Exact Sciences
Classification: Likely benign for ALPK3-related condition. Last evaluated: 2020-09-17. Review status: no assertion criteria provided. Collection method: clinical testing. Allele origin: germline. Not counted in ClinVar's aggregate classification.
Comment: This variant is classified as likely benign based on ACMG/AMP sequence variant interpretation guidelines (Richards et al. 2015 PMID: 25741868, with internal and published modifications).

Clinical Genetics DNA and cytogenetics Diagnostics Lab, Erasmus MC, Erasmus Medical Center
Classification: Likely benign. Review status: no assertion criteria provided. Collection method: clinical testing. Allele origin: germline. Affected: yes. Study: VKGL Data-share Consensus. Not counted in ClinVar's aggregate classification.

Clinical Genetics, Academic Medical Center
Classification: Benign. Review status: no assertion criteria provided. Collection method: clinical testing. Allele origin: germline. Affected: yes. Study: VKGL Data-share Consensus. Not counted in ClinVar's aggregate classification.